The following is an entry in ClinVar:

NM_033337.3(CAV3):c.165C>A (p.Asp55Glu)

Genes: CAV3 (caveolin 3; plus strand), OXTR (oxytocin receptor; minus strand). Cytogenetic location: 3p25.3.
Variant type: single nucleotide variant.
Coding change: c.165C>A on transcript NM_033337.3 (MANE Select); coding-DNA position 165, C replaced by A.
Protein change: p.Asp55Glu; replaces aspartic acid 55 with glutamic acid.
Molecular consequence: missense variant.
Genome position (GRCh38, 1-based): chr3:8,745,576, C>A. VCF-style: chr3-8745576-C-A. GRCh37 (hg19) VCF-style: chr3-8787262-C-A.
Other names: c.165C>A, p.Asp55Glu (NM_001234.5); short protein forms D55E.
Identifiers: ClinVar variation 1037574 (VCV001037574.9), dbSNP rs759446749, ClinGen allele CA351663210.
Genomic context (GRCh38, chr3:8,745,576, plus strand): 5'-ACCCCTGCAGGTGGATTTTGAAGACGTGATCGCAGAGCCTGTGGGCACCTACAGCTTTGA[C>A]GGCGTGTGGAAGGTGAGCTACACCACCTTCACTGTCTCCAAGTACTGGTGCTACCGTCTG-3'
Protein context (NP_203123.1, residues 45-65): IAEPVGTYSF[Asp55Glu]GVWKVSYTTF

ClinVar aggregate classification (germline): Uncertain significance. Review status: criteria provided, multiple submitters, no conflicts (2 of 4 stars). 3 submissions from 3 submitters: Uncertain significance (3). Last evaluated 2023-09-11.

Conditions:
Long QT syndrome (LQTS). Identifiers: MedGen C0023976, MeSH D008133, MONDO:0002442. Disease mechanism: loss of function. Inheritance: Various modes of inheritance.
Caveolinopathy. Identifiers: Orphanet 207078, MedGen C5679790, MONDO:0016146.

gnomAD v4.1: 8 of 1,614,120 alleles (0.0005%); highest among the groups gnomAD compares: Admixed American, 0.0017%; no homozygotes.

Submissions (3):

Revvity Omics, Revvity
Classification: Uncertain significance. Last evaluated: 2023-09-11. Review status: criteria provided, single submitter. Criteria: ACMG Guidelines, 2015. Collection method: clinical testing. Allele origin: germline.

Illumina Laboratory Services, Illumina
Classification: Uncertain significance for Caveolinopathies. Last evaluated: 2021-05-20. Review status: criteria provided, single submitter. Criteria: ICSLVariantClassificationCriteria RUGD 01 April 2020. Collection method: clinical testing. Allele origin: unknown.
Comment: The CAV3 c.165C>A (p.Asp55Glu) variant is a missense variant. A literature search was performed for the gene, cDNA change, and amino acid change. No publications were found based on this search. This variant is found at a frequency of 0.000009 in the European (Non-Finnish) population of the Genome Aggregation Database though this is based on one allele in a region of good sequence coverage so the variant is presumed to be rare. The Asp55 residue is located in the scaffolding region of the caveolin domain (Fulizio et al. 2005). Based on the limited evidence, the p.Asp55Glu variant is classified as a variant of uncertain significance for caveolinopathies.

Labcorp Genetics (formerly Invitae), Labcorp
Classification: Uncertain significance for Long QT syndrome. Last evaluated: 2021-05-13. Review status: criteria provided, single submitter. Criteria: Invitae Variant Classification Sherloc (09022015). Collection method: clinical testing. Allele origin: germline.
Comment: In summary, the available evidence is currently insufficient to determine the role of this variant in disease. Therefore, it has been classified as a Variant of Uncertain Significance. Algorithms developed to predict the effect of missense changes on protein structure and function (SIFT, PolyPhen-2, Align-GVGD) all suggest that this variant is likely to be disruptive, but these predictions have not been confirmed by published functional studies and their clinical significance is uncertain. This sequence change replaces aspartic acid with glutamic acid at codon 55 of the CAV3 protein (p.Asp55Glu). The aspartic acid residue is highly conserved and there is a small physicochemical difference between aspartic acid and glutamic acid. This variant is not present in population databases (ExAC no frequency). This variant has not been reported in the literature in individuals with CAV3-related conditions.

Literature cited by the submitters: PubMed 15580566 (cited by Illumina Laboratory Services, Illumina).